The following is an entry in ClinVar:

NM_001378778.1(MPDZ):c.5832G>C (p.Val1944=)

Gene: MPDZ (multiple PDZ domain crumbs cell polarity complex component; minus strand). Cytogenetic location: 9p23.
Variant type: single nucleotide variant.
Coding change: c.5832G>C on transcript NM_001378778.1 (MANE Select); coding-DNA position 5832, G replaced by C.
Protein change: p.Val1944=; no amino-acid change (valine 1944 retained).
Molecular consequence: synonymous variant.
Genome position (GRCh38, 1-based): chr9:13,110,062, C>G on the plus strand (G>C on the coding strand, the complement: MPDZ is on the minus strand). VCF-style: chr9-13110062-C-G. GRCh37 (hg19) VCF-style: chr9-13110061-C-G.
Other names: c.5745G>C (NM_003829.4); c.5733G>C, p.Val1911= (NM_001261406.2, NM_001375416.1, NM_001375417.1 and 1 more transcripts); c.5646G>C, p.Val1882= (NM_001261407.2, NM_001375419.1); c.5832G>C, p.Val1944= (NM_001330637.2); c.5931G>C, p.Val1977= (NM_001375413.1); c.5622G>C, p.Val1874= (NM_001375420.1, NM_001375421.1, NM_001375422.1 and 2 more transcripts); c.5535G>C, p.Val1845= (NM_001375425.1, NM_001375426.1); c.5424G>C, p.Val1808= (NM_001375427.1); and 1 more.
Identifiers: ClinVar variation 1533088 (VCV001533088.10), dbSNP rs376000436, ClinGen allele CA4986069.

ClinVar aggregate classification (germline): Likely benign. Review status: criteria provided, single submitter (1 of 4 stars). 2 submissions from 2 submitters: Likely benign (1). 1 of the submissions does not count toward it. Last evaluated 2022-03-06.

Conditions:
MPDZ-related disorder. Also called: MPDZ-related condition.

Allele frequency attached by ClinVar (database versions not stated): gnomAD exomes below 0.00001 and 0.00001; ExAC 0.00001; TOPMed 0.00002; ESP Exome Variant Server 0.00008.
gnomAD v4.1: 13 of 1,611,240 alleles (0.00081%); highest among the groups gnomAD compares: Non-Finnish European, 0.0011%; no homozygotes.

Submissions (2):

Labcorp Genetics (formerly Invitae), Labcorp
Classification: Likely benign. Last evaluated: 2022-03-06. Review status: criteria provided, single submitter. Criteria: Invitae Variant Classification Sherloc (09022015). Collection method: clinical testing. Allele origin: germline.

PreventionGenetics, part of Exact Sciences
Classification: Likely benign for MPDZ-related condition. Last evaluated: 2021-03-03. Review status: no assertion criteria provided. Collection method: clinical testing. Allele origin: germline. Not counted in ClinVar's aggregate classification.
Comment: This variant is classified as likely benign based on ACMG/AMP sequence variant interpretation guidelines (Richards et al. 2015 PMID: 25741868, with internal and published modifications).